The following is an entry in ClinVar:

ClinVar aggregate classification (germline): Pathogenic/Likely pathogenic. Review status: criteria provided, multiple submitters, no conflicts (2 of 4 stars). 6 submissions from 6 submitters: Pathogenic (5); Likely pathogenic (1). Last evaluated 2025-05-28.

Conditions:
Familial thoracic aortic aneurysm and aortic dissection (TAAD). Also called: Thoracic aortic aneurysms and dissections. Identifiers: Orphanet 91387, MedGen C4707243, MONDO:0019625.
COL5A1-related disorders.
Ehlers-Danlos syndrome, classic type, 1 (EDSCL1). Also called: EDS I; EHLERS-DANLOS SYNDROME, GRAVIS TYPE; Ehlers-Danlos syndrome, type 1; Ehlers-Danlos Syndrome, Classic Type, COL5A1-Related; EHLERS-DANLOS SYNDROME, SEVERE CLASSIC TYPE. Identifiers: MedGen C0268335, MONDO:0019567, OMIM 130000.

Submissions (6):

Labcorp Genetics (formerly Invitae), Labcorp
Classification: Pathogenic for Ehlers-Danlos syndrome, classic type, 1. Last evaluated: 2025-05-28. Review status: criteria provided, single submitter. Criteria: Invitae Variant Classification Sherloc (09022015). Collection method: clinical testing. Allele origin: germline.
Comment: This sequence change creates a premature translational stop signal (p.Arg594*) in the COL5A1 gene. It is expected to result in an absent or disrupted protein product. Loss-of-function variants in COL5A1 are known to be pathogenic (PMID: 23587214). This variant is not present in population databases (gnomAD no frequency). This premature translational stop signal has been observed in individuals with Ehlers-Danlos syndrome (PMID: 15580559). ClinVar contains an entry for this variant (Variation ID: 519624). For these reasons, this variant has been classified as Pathogenic.

GeneDx
Classification: Pathogenic. Last evaluated: 2023-06-07. Review status: criteria provided, single submitter. Criteria: GeneDx Variant Classification Process June 2021. Collection method: clinical testing. Allele origin: germline. Affected: yes.
Comment: Not observed at significant frequency in large population cohorts (gnomAD); Nonsense variant predicted to result in protein truncation or nonsense mediated decay in a gene for which loss of function is a known mechanism of disease; This variant is associated with the following publications: (PMID: 25525159, 22696272, 15580559, 33726816)

Breakthrough Genomics
Classification: Pathogenic for Ehlers-Danlos syndrome, classic type, 1. Last evaluated: 2020-11-26. Review status: criteria provided, single submitter. Criteria: ACMG Guidelines, 2015. Collection method: clinical testing. Allele origin: germline. Affected: yes.
Comment: This variant was previously reported in several individuals affected with Ehlers-Danlos syndrome [PMID: 15580559]. Loss-of-function variants in COL5A1 are known to be pathogenic [PMID: 23587214].

Blueprint Genetics
Classification: Likely pathogenic for COL5A1-related disorders. Last evaluated: 2020-01-21. Review status: criteria provided, single submitter. Criteria: ACMG Guidelines, 2015. Collection method: clinical testing. Allele origin: germline. Affected: yes. Observed: 1 variant allele.

Clinical Genetics and Genomics, Karolinska University Hospital
Classification: Pathogenic. Last evaluated: 2017-09-05. Review status: criteria provided, single submitter. Criteria: ACMG Guidelines, 2015. Collection method: clinical testing. Allele origin: germline. Affected: yes. Observed: 1 variant allele.

Ambry Genetics
Classification: Pathogenic for Familial thoracic aortic aneurysm and aortic dissection. Last evaluated: 2016-02-17. Review status: criteria provided, single submitter. Criteria: Ambry Variant Classification Scheme 2023. Collection method: clinical testing. Allele origin: germline.
Comment: The p.R594* pathogenic mutation (also known as c.1780C>T), located in coding exon 16 of the COL5A1 gene, results from a C to T substitution at nucleotide position 1780. This changes the amino acid from an arginine to a stop codon within coding exon 16. This alteration has been previously reported in two patients with classic Ehlers-Danlos syndrome (Malfait F et al. Hum. Mutat. 2005;25(1):28-37). In addition to the clinical data presented in the literature, since premature stop codons are typically deleterious in nature, this alteration is interpreted as a disease-causing mutation (ACMG Recommendations for Standards for Interpretation and Reporting of Sequence Variations. Revision 2007. Genet Med. 2008;10:294).

Literature cited by the submitters: PubMed 23587214 (cited by Labcorp Genetics (formerly Invitae), Labcorp); PubMed 15580559 (cited by Labcorp Genetics (formerly Invitae), Labcorp and Ambry Genetics).

NM_000093.5(COL5A1):c.1780C>T (p.Arg594Ter)

Gene: COL5A1 (collagen type V alpha 1 chain; plus strand). Cytogenetic location: 9q34.3.
Variant type: single nucleotide variant.
Coding change: c.1780C>T on transcript NM_000093.5 (MANE Select); coding-DNA position 1780, C replaced by T.
Protein change: p.Arg594Ter; replaces arginine 594 with a stop codon.
Molecular consequence: nonsense.
Genome position (GRCh38, 1-based): chr9:134,754,279, C>T. VCF-style: chr9-134754279-C-T. GRCh37 (hg19) VCF-style: chr9-137646125-C-T.
Other names: p.Arg594Ter; c.1780C>T, p.Arg594Ter (NM_001278074.1); short protein forms R594*.
Identifiers: ClinVar variation 519624 (VCV000519624.20), dbSNP rs1554792869, ClinGen allele CA375444965.
Genomic context (GRCh38, chr9:134,754,279, plus strand): 5'-TTCTCCTGAGAAAGGCGGACTCGCCACTGACCCTTTGTCTCTTACCCCTGGCAGGGTCCT[C>T]GAGGTGTGCAAGGCCCGCCTGGTCCGGCCGGGAAGCCCGGAAGACGGGTGAGTGGTGCGA-3'